The following is an entry in ClinVar:

NM_000094.4(COL7A1):c.4723-2A>C

Gene: COL7A1 (collagen type VII alpha 1 chain; minus strand). Cytogenetic location: 3p21.31.
Variant type: single nucleotide variant.
Coding change: c.4723-2A>C on transcript NM_000094.4 (MANE Select); the canonical splice acceptor site of the intron before coding-DNA position 4723, A replaced by C.
Molecular consequence: splice acceptor variant.
Genome position (GRCh38, 1-based): chr3:48,581,634, T>G on the plus strand (A>C on the coding strand, the complement: COL7A1 is on the minus strand). VCF-style: chr3-48581634-T-G. GRCh37 (hg19) VCF-style: chr3-48619067-T-G.
Identifiers: ClinVar variation 2736393 (VCV002736393.4), dbSNP rs1367797614, ClinGen allele CA352685238.
Genomic context (GRCh38, chr3:48,581,634, plus strand): 5'-CGGTCTCCAGGGTCTCCCTTGGGGCCAGGGTCTCCAGGAAGAACCAAGCCGGGTGGGCCC[T>G]GTGGATGGAAGGATAAGAAGTCAGGAAGACAACCTTCACCAACTGCCCCCTAAACACTTC-3'

ClinVar aggregate classification (germline): Conflicting classifications of pathogenicity. Review status: criteria provided, conflicting classifications (1 of 4 stars). 2 submissions from 2 submitters: Likely pathogenic (1); Uncertain significance (1). Last evaluated 2025-03-12.

Allele frequency attached by ClinVar (database versions not stated): gnomAD exomes below 0.00001.

Submissions (2):

GeneDx
Classification: Uncertain significance. Last evaluated: 2025-03-12. Review status: criteria provided, single submitter. Criteria: GeneDx Variant Classification Process June 2021. Collection method: clinical testing. Allele origin: germline. Affected: yes.
Comment: Canonical splice site variant predicted to result in a null allele in a gene for which loss of function is a known mechanism of disease; Has not been previously published as pathogenic or benign to our knowledge

Labcorp Genetics (formerly Invitae), Labcorp
Classification: Likely pathogenic. Last evaluated: 2023-11-19. Review status: criteria provided, single submitter. Criteria: Invitae Variant Classification Sherloc (09022015). Collection method: clinical testing. Allele origin: germline.
Comment: This sequence change affects an acceptor splice site in intron 48 of the COL7A1 gene. It is expected to disrupt RNA splicing. Variants that disrupt the donor or acceptor splice site typically lead to a loss of protein function (PMID: 16199547), and loss-of-function variants in COL7A1 are known to be pathogenic (PMID: 16971478). This variant is present in population databases (no rsID available, gnomAD 0.006%). This variant has not been reported in the literature in individuals affected with COL7A1-related conditions. Algorithms developed to predict the effect of sequence changes on RNA splicing suggest that this variant may disrupt the consensus splice site. In summary, the currently available evidence indicates that the variant is pathogenic, but additional data are needed to prove that conclusively. Therefore, this variant has been classified as Likely Pathogenic.

Literature cited by the submitters: PubMed 16199547 (cited by Labcorp Genetics (formerly Invitae), Labcorp); PubMed 16971478 (cited by Labcorp Genetics (formerly Invitae), Labcorp).